The following is an entry in ClinVar:

ClinVar aggregate classification (germline): Uncertain significance (1 of 4 stars; one submission).

Conditions:
Familial thoracic aortic aneurysm and aortic dissection (TAAD). Also called: Thoracic aortic aneurysms and dissections. Identifiers: Orphanet 91387, MedGen C4707243, MONDO:0019625.

Submission:

Ambry Genetics
Classification: Uncertain significance for Familial thoracic aortic aneurysm and aortic dissection. Last evaluated: 2025-07-03. Review status: criteria provided, single submitter. Criteria: Ambry Variant Classification Scheme 2023. Collection method: clinical testing. Allele origin: germline.
Comment: The p.W194* variant (also known as c.582G>A), located in coding exon 4 of the MYLK gene, results from a G to A substitution at nucleotide position 582. This changes the amino acid from a tryptophan to a stop codon within coding exon 4. This variant is expected to result in loss of function due to an abnormal transcript, a translational frameshift leading to premature truncation, or nonsense-mediated mRNA decay. However, this alteration impacts only the long, non-muscle MYLK isoform. While loss of function alterations that impact both the long and short MYLK isoforms have been reported in many patients with thoracic aortic aneurysms and dissections (TAAD), similar data is lacking for alterations that affect only the long isoform (Wallace SE et al. Genet Med. 2019 01;21(1):144-151; Ambry internal data). Since supporting evidence is limited at this time, the clinical significance of this alteration remains unclear.

NM_053025.4(MYLK):c.582G>A (p.Trp194Ter)

Gene: MYLK (myosin light chain kinase; minus strand). Cytogenetic location: 3q21.1.
Variant type: single nucleotide variant.
Coding change: c.582G>A on transcript NM_053025.4 (MANE Select); coding-DNA position 582, G replaced by A.
Protein change: p.Trp194Ter; replaces tryptophan 194 with a stop codon.
Molecular consequence: nonsense.
Genome position (GRCh38, 1-based): chr3:123,738,903, C>T on the plus strand (G>A on the coding strand, the complement: MYLK is on the minus strand). VCF-style: chr3-123738903-C-T. GRCh37 (hg19) VCF-style: chr3-123457750-C-T.
Other names: c.54G>A, p.Trp18Ter (NM_001321309.2); c.582G>A, p.Trp194Ter (NM_053026.4, NM_053027.4, NM_053028.4); short protein forms W194*, W18*.
Identifiers: ClinVar variation 4115044 (VCV004115044.1).